The following is an entry in ClinVar:

ClinVar aggregate classification (germline): Uncertain significance (1 of 4 stars; one submission).

Allele frequency attached by ClinVar (database versions not stated): gnomAD exomes below 0.00001; gnomAD 0.00001; TOPMed 0.00001.
gnomAD v4.1: 5 of 1,614,098 alleles (0.00031%); highest among the groups gnomAD compares: African/African-American, 0.0013%; no homozygotes.

Submission:

Labcorp Genetics (formerly Invitae), Labcorp
Classification: Uncertain significance. Last evaluated: 2024-10-28. Review status: criteria provided, single submitter. Criteria: Invitae Variant Classification Sherloc (09022015). Collection method: clinical testing. Allele origin: germline.
Comment: This sequence change replaces cysteine, which is neutral and slightly polar, with arginine, which is basic and polar, at codon 331 of the ACY1 protein (p.Cys331Arg). This variant is present in population databases (no rsID available, gnomAD 0.007%). This variant has not been reported in the literature in individuals affected with ACY1-related conditions. ClinVar contains an entry for this variant (Variation ID: 1923982). Invitae Evidence Modeling of protein sequence and biophysical properties (such as structural, functional, and spatial information, amino acid conservation, physicochemical variation, residue mobility, and thermodynamic stability) indicates that this missense variant is expected to disrupt ACY1 protein function with a positive predictive value of 80%. In summary, the available evidence is currently insufficient to determine the role of this variant in disease. Therefore, it has been classified as a Variant of Uncertain Significance.

NM_000666.3(ACY1):c.991T>C (p.Cys331Arg)

Genes: ACY1 (aminoacylase 1; plus strand), ABHD14A-ACY1 (ABHD14A-ACY1 readthrough; plus strand). Cytogenetic location: 3p21.2.
Variant type: single nucleotide variant.
Coding change: c.991T>C on transcript NM_000666.3 (MANE Select); coding-DNA position 991, T replaced by C.
Protein change: p.Cys331Arg; replaces cysteine 331 with arginine.
Molecular consequence: missense variant.
Genome position (GRCh38, 1-based): chr3:51,988,593, T>C. VCF-style: chr3-51988593-T-C. GRCh37 (hg19) VCF-style: chr3-52022609-T-C.
Other names: c.1261T>C, p.Cys421Arg (NM_001316331.2); c.991T>C, p.Cys331Arg (NM_001198895.2); c.775T>C, p.Cys259Arg (NM_001198896.2); c.796T>C, p.Cys266Arg (NM_001198897.2); c.886T>C, p.Cys296Arg (NM_001198898.2); short protein forms C331R, C421R, C259R, C266R, C296R.
Identifiers: ClinVar variation 1923982 (VCV001923982.5), dbSNP rs996051231, ClinGen allele CA74719556.
Genomic context (GRCh38, chr3:51,988,593, plus strand): 5'-CACCCCCAAGTGACACCTACTGATGACTCAAACCCTTGGTGGGCAGCTTTTAGCCGGGTC[T>C]GCAAGGATATGTGAGCACGCTGGCCAGCTCTCCTCACAGCCCAGCCCCCTACTCCTCTCC-3'
Protein context (NP_000657.1, residues 321-341): NPWWAAFSRV[Cys331Arg]KDMNLTLEPE